The following is an entry in ClinVar:

NM_007294.4(BRCA1):c.713A>G (p.His238Arg)

Gene: BRCA1 (BRCA1 DNA repair associated; minus strand). Cytogenetic location: 17q21.31.
Variant type: single nucleotide variant.
Coding change: c.713A>G on transcript NM_007294.4 (MANE Select); coding-DNA position 713, A replaced by G.
Protein change: p.His238Arg; replaces histidine 238 with arginine.
Molecular consequence: missense variant. On other transcripts: non-coding transcript variant (1).
Genome position (GRCh38, 1-based): chr17:43,094,818, T>C on the plus strand (A>G on the coding strand, the complement: BRCA1 is on the minus strand). VCF-style: chr17-43094818-T-C. GRCh37 (hg19) VCF-style: chr17-41246835-T-C.
Other names: c.713A>G, p.His238Arg (NM_001407969.1, NM_001407970.1, NM_001407971.1 and 54 more transcripts); c.710A>G, p.His237Arg (NM_001407972.1, NM_001407587.1, NM_001407590.1 and 38 more transcripts); c.500A>G, p.His167Arg (NM_001407571.1, NM_001408490.1, NM_001408491.1 and 12 more transcripts); c.704A>G, p.His235Arg (NM_001408408.1, NM_001407646.1, NM_001407647.1); c.635A>G, p.His212Arg (NM_001408409.1, NM_001408411.1, NM_001408412.1 and 9 more transcripts); c.572A>G, p.His191Arg (NM_001408410.1, NM_001408452.1, NM_001408453.1 and 43 more transcripts); c.632A>G, p.His211Arg (NM_001408413.1, NM_001408416.1, NM_001407659.1 and 3 more transcripts); c.590A>G, p.His197Arg (NM_001408425.1, NM_001408426.1, NM_001408427.1 and 34 more transcripts); and 14 more; short protein forms H238R, H191R, H111R, H190R, H196R, H235R, H110R, H167R.
Identifiers: ClinVar variation 141900 (VCV000141900.17), dbSNP rs587782094, ClinGen allele CA003830.

ClinVar aggregate classification (germline): Conflicting classifications of pathogenicity. Review status: criteria provided, conflicting classifications (1 of 4 stars). 4 submissions from 4 submitters: Uncertain significance (3); Likely benign (1). Last evaluated 2023-10-19.

Conditions:
Hereditary cancer-predisposing syndrome. Also called: Neoplastic Syndromes, Hereditary; Tumor predisposition; Hereditary Cancer Syndrome; Hereditary neoplastic syndrome. Identifiers: Orphanet 140162, MedGen C0027672, MeSH D009386, MONDO:0015356.
Hereditary breast ovarian cancer syndrome. Also called: Breast and ovarian cancer; Hereditary breast and ovarian cancer; Hereditary breast and/or ovarian cancer syndrome; BRCA1- and BRCA2-Associated Hereditary Breast and Ovarian Cancer; Hereditary breast and ovarian cancer syndrome; Hereditary breast and ovarian cancer syndrome (HBOC). Identifiers: Orphanet 145, MedGen C0677776, MeSH D061325, MONDO:0003582. Disease mechanism: loss of function.

Submissions (4):

Ambry Genetics
Classification: Uncertain significance for Hereditary cancer-predisposing syndrome. Last evaluated: 2023-10-19. Review status: criteria provided, single submitter. Criteria: Ambry Variant Classification Scheme 2023. Collection method: clinical testing. Allele origin: germline.
Comment: The p.H238R variant (also known as c.713A>G), located in coding exon 9 of the BRCA1 gene, results from an A to G substitution at nucleotide position 713. The histidine at codon 238 is replaced by arginine, an amino acid with highly similar properties. This amino acid position is not well conserved in available vertebrate species. In addition, the in silico prediction for this alteration is inconclusive. Since supporting evidence is limited at this time, the clinical significance of this alteration remains unclear.

University of Washington Department of Laboratory Medicine, University of Washington
Classification: Likely benign for Hereditary cancer-predisposing syndrome. Last evaluated: 2023-03-23. Review status: criteria provided, single submitter. Criteria: Dines et al. (Genet Med. 2020). Collection method: curation. Allele origin: germline.
Comment: Missense variant in a coldspot region where missense variants are very unlikely to be pathogenic (PMID:31911673).

BRCA1 coldspot (exon 11 using historical exon numbering). Reclassification based on statistical prior probability

Labcorp Genetics (formerly Invitae), Labcorp
Classification: Uncertain significance for Hereditary breast ovarian cancer syndrome. Last evaluated: 2023-02-13. Review status: criteria provided, single submitter. Criteria: Invitae Variant Classification Sherloc (09022015). Collection method: clinical testing. Allele origin: germline.
Comment: This variant is not present in population databases (gnomAD no frequency). This sequence change replaces histidine, which is basic and polar, with arginine, which is basic and polar, at codon 238 of the BRCA1 protein (p.His238Arg). This variant has not been reported in the literature in individuals affected with BRCA1-related conditions. In summary, the available evidence is currently insufficient to determine the role of this variant in disease. Therefore, it has been classified as a Variant of Uncertain Significance. Advanced modeling of protein sequence and biophysical properties (such as structural, functional, and spatial information, amino acid conservation, physicochemical variation, residue mobility, and thermodynamic stability) performed at Invitae indicates that this missense variant is not expected to disrupt BRCA1 protein function. ClinVar contains an entry for this variant (Variation ID: 141900).

Color Diagnostics, LLC DBA Color Health
Classification: Uncertain significance for Hereditary cancer-predisposing syndrome. Last evaluated: 2021-07-26. Review status: criteria provided, single submitter. Criteria: ACMG Guidelines, 2015. Collection method: clinical testing. Allele origin: germline.
Comment: This missense variant replaces histidine with arginine at codon 238 of the BRCA1 protein. Computational prediction is inconclusive regarding the impact of this variant on protein structure and function (internally defined REVEL score threshold 0.5 < inconclusive < 0.7, PMID: 27666373). To our knowledge, functional studies have not been reported for this variant. This variant has not been reported in individuals affected with hereditary cancer in the literature. This variant has not been identified in the general population by the Genome Aggregation Database (gnomAD). The available evidence is insufficient to determine the role of this variant in disease conclusively. Therefore, this variant is classified as a Variant of Uncertain Significance.